The following is an entry in ClinVar:

ClinVar aggregate classification (germline): Likely benign (0 of 4 stars; one submission).

Conditions:
MAGI2-related disorder. Also called: MAGI2-related condition.

Allele frequency attached by ClinVar (database versions not stated): gnomAD exomes 0.00001; gnomAD 0.00003.
gnomAD v4.1: 21 of 1,541,932 alleles (0.0014%); highest among the groups gnomAD compares: South Asian, 0.024%; no homozygotes.

Submission:

PreventionGenetics, part of Exact Sciences
Classification: Likely benign for MAGI2-related condition. Last evaluated: 2020-07-26. Review status: no assertion criteria provided. Collection method: clinical testing. Allele origin: germline.
Comment: This variant is classified as likely benign based on ACMG/AMP sequence variant interpretation guidelines (Richards et al. 2015 PMID: 25741868, with internal and published modifications).

NM_012301.4(MAGI2):c.3032-3C>T

Gene: MAGI2 (membrane associated guanylate kinase, WW and PDZ domain containing 2; minus strand). Cytogenetic location: 7q21.11.
Variant type: single nucleotide variant.
Coding change: c.3032-3C>T on transcript NM_012301.4 (MANE Select); 3 bases into the intron before coding-DNA position 3032, C replaced by T.
Molecular consequence: intron variant.
Genome position (GRCh38, 1-based): chr7:78,133,063, G>A on the plus strand (C>T on the coding strand, the complement: MAGI2 is on the minus strand). VCF-style: chr7-78133063-G-A. GRCh37 (hg19) VCF-style: chr7-77762380-G-A.
Other names: c.2990-3C>T (NM_001301128.2).
Identifiers: ClinVar variation 3036306 (VCV003036306.2), dbSNP rs1387308722, ClinGen allele CA575647259.
Genomic context (GRCh38, chr7:78,133,063, plus strand): 5'-TGCTGCGCCATGGGACTCTGCTTCTCTGAGCTGGGTGCCGAGGTGGGGCTGTTGAGCTCT[G>A]CGATGGAGAACCAAAGCGGCAGATGCAGTCAGGTTAGTGTTGATAAGGGGAAAGAAGTGA-3'